The following is an entry in ClinVar:

NM_014712.3(SETD1A):c.2020G>T (p.Gly674Ter)

Gene: SETD1A (SET domain containing 1A, histone lysine methyltransferase; plus strand). Cytogenetic location: 16p11.2.
Variant type: single nucleotide variant.
Coding change: c.2020G>T on transcript NM_014712.3 (MANE Select); coding-DNA position 2020, G replaced by T.
Protein change: p.Gly674Ter; replaces glycine 674 with a stop codon.
Molecular consequence: nonsense.
Genome position (GRCh38, 1-based): chr16:30,965,901, G>T. VCF-style: chr16-30965901-G-T. GRCh37 (hg19) VCF-style: chr16-30977222-G-T.
Other names: short protein forms G674*.
Identifiers: ClinVar variation 4814158 (VCV004814158.1).
Genomic context (GRCh38, chr16:30,965,901, plus strand): 5'-CCGCACATCTATGACTTTGTGAACTCCTTGGAGCTCATGGACCGACTTGGGGCTCAGTGG[G>T]GAGGGATGCCCATGTCCTTCCAGATGCAGACCCAGATGTTAACTCGGCTCCATCAGCTGC-3'

ClinVar aggregate classification (germline): Likely pathogenic (1 of 4 stars; one submission).

Conditions:
Neurodevelopmental disorder with speech impairment and dysmorphic facies. Identifiers: MedGen C5436699, MONDO:0033630, OMIM 619056.

Submission:

OLLIN Analises Genomicas, OLLIN
Classification: Likely pathogenic for Neurodevelopmental disorder with speech impairment and dysmorphic facies. Last evaluated: 2025-07-08. Review status: criteria provided, single submitter. Criteria: ACMG Guidelines 2015 PMID 25741868. Collection method: clinical testing. Allele origin: germline. Affected: yes. Observed: 1 variant allele.
Comment: The nonsense variant (chr16:30965901G>T), located in exon 8 (of 19), is not reported in the gnomAD v4.1 non-UKB or ClinVar databases, nor has it been found in the scientific literature. This variant introduces a premature stop codon, resulting in a truncated protein or mRNA degradation via nonsense-mediated decay (NMD). Based on currently available evidence, this variant has been classified as likely pathogenic (PVS1, PM2_P).